The following is an entry in ClinVar:

NM_001142800.2(EYS):c.9177_9180del (p.Ala3058_Tyr3059insTer)

Genes: EYS (EGF-like photoreceptor maintenance factor; minus strand), PHF3 (PHD finger protein 3; plus strand). Cytogenetic location: 6q12.
Variant type: Deletion.
Coding change: c.9177_9180del on transcript NM_001142800.2 (MANE Select); coding-DNA positions 9177 to 9180, 4 bases deleted (CATA; older notation c.9177_9180delCATA).
Protein change: p.Ala3058_Tyr3059insTer.
Molecular consequence: nonsense. On other transcripts: 3 prime UTR variant (5).
Genome position (GRCh38, 1-based): chr6:63,720,851-63,720,854, TATG deleted on the plus strand (CATA on the coding strand, the reverse complement: EYS is on the minus strand); deleting any 4 consecutive bases within chr6:63,720,851-63,720,856 gives the same sequence; the c. name uses the placement nearest the transcript's 3' end. VCF-style (leftmost placement, unchanged base first): chr6-63720850-TTATG-T. GRCh37 (hg19) VCF-style: chr6-64430746-TTATG-T.
Other names: c.*7145_*7148del (NM_001290259.2, NM_001370348.2, NM_001370349.2 and 2 more transcripts); c.9240_9243del, p.Ala3079_Tyr3080insTer (NM_001292009.2); c.9177_9180delCATA (NM_001142800.1).
Identifiers: ClinVar variation 1952441 (VCV001952441.8), dbSNP rs1162806402, ClinGen allele CA826969038.

ClinVar aggregate classification (germline): Pathogenic/Likely pathogenic. Review status: criteria provided, multiple submitters, no conflicts (2 of 4 stars). 4 submissions from 4 submitters: Pathogenic (2); Likely pathogenic (2). Last evaluated 2025-02-13.

Conditions:
Retinitis pigmentosa 25 (RP25). Identifiers: Orphanet 791, MedGen C1864446, MONDO:0011272, OMIM 602772.

Submissions (4):

Myriad Genetics, Inc.
Classification: Pathogenic for Retinitis pigmentosa 25. Last evaluated: 2025-02-13. Review status: criteria provided, single submitter. Criteria: Myriad Autosomal Dominant, Autosomal Recessive and X-Linked Classification Criteria (2023). Collection method: clinical testing. Allele origin: unknown.
Comment: NM_001142800.1(EYS):c.9177_9180delCATA(Y3059*) is a frameshift variant classified as pathogenic in the context of retinitis pigmentosa, EYS-related. Y3059* has been observed in a case with relevant disease (PMID: 20333770). Relevant functional assessments of this variant are not available in the literature. Y3059* has not been observed in referenced population frequency databases. In summary, NM_001142800.1(EYS):c.9177_9180delCATA(Y3059*) is a frameshift variant in a gene where loss of function is a known mechanism of disease, is predicted to disrupt protein function, and has been observed more frequently in cases with the relevant disease than in healthy populations. Please note: this variant was assessed in the context of healthy population screening.

Natera, Inc.
Classification: Likely pathogenic for Retinitis pigmentosa type 25. Last evaluated: 2024-05-08. Review status: criteria provided, single submitter. Criteria: Natera Variant Classification Schema (03/2026). Collection method: clinical testing. Allele origin: germline.
Comment: The c.9177_9180delCATA variant in EYS is a frameshift variant predicted to shift the reading frame and introduce a stop codon. This variant is expected to result in nonsense mediated decay, truncation, or a dysfunctional protein product. This variant is rare in the general population with a frequency below the threshold expected for the associated phenotype(s). Given the available evidence, this variant is classified as Likely Pathogenic.

Baylor Genetics
Classification: Likely pathogenic for Retinitis pigmentosa 25. Last evaluated: 2023-05-29. Review status: criteria provided, single submitter. Criteria: ACMG Guidelines, 2015. Collection method: clinical testing. Allele origin: unknown.

Labcorp Genetics (formerly Invitae), Labcorp
Classification: Pathogenic. Last evaluated: 2022-09-09. Review status: criteria provided, single submitter. Criteria: Invitae Variant Classification Sherloc (09022015). Collection method: clinical testing. Allele origin: germline.
Comment: For these reasons, this variant has been classified as Pathogenic. This sequence change creates a premature translational stop signal (p.Tyr3059*) in the EYS gene. While this is not anticipated to result in nonsense mediated decay, it is expected to disrupt the last 86 amino acid(s) of the EYS protein. This variant is not present in population databases (gnomAD no frequency). This variant has not been reported in the literature in individuals affected with EYS-related conditions. This variant disrupts a region of the EYS protein in which other variant(s) (p.Val3115Asp) have been determined to be pathogenic (PMID: 30718709, 32037395; Invitae). This suggests that this is a clinically significant region of the protein, and that variants that disrupt it are likely to be disease-causing.

Literature cited by the submitters: PubMed 20333770 (cited by Myriad Genetics, Inc.); PubMed 30718709 (cited by Labcorp Genetics (formerly Invitae), Labcorp); PubMed 32037395 (cited by Labcorp Genetics (formerly Invitae), Labcorp).